The following continues an entry in ClinVar:

NM_000059.4(BRCA2):c.8668C>A (p.Leu2890Ile)

Gene: BRCA2. ClinVar aggregate classification (germline): Conflicting classifications of pathogenicity. Uncertain significance (12); Benign (1); Likely benign (3).

Submissions 10 to 20 of 20:

Department of Pathology and Laboratory Medicine, Sinai Health System
Classification: Uncertain significance for BRCA2-related cancer predisposition. Last evaluated: 2023-10-03. Review status: criteria provided, single submitter. Criteria: ACMG Guidelines, 2015. Collection method: clinical testing. Allele origin: germline. Affected: no.

GeneDx
Classification: Uncertain significance. Last evaluated: 2022-12-30. Review status: criteria provided, single submitter. Criteria: GeneDx Variant Classification Process June 2021. Collection method: clinical testing. Allele origin: germline. Affected: yes.
Comment: Not observed at significant frequency in large population cohorts (gnomAD); In silico analysis supports that this missense variant does not alter protein structure/function; Also known as 8896C>A; This variant is associated with the following publications: (PMID: 19043619, 24817641, 31911673, 29884841, 28591715, 12228710, 36329109, 32377563, 21952622, 31853058, 28726806)

Genetics Program, Instituto Nacional de Cancer
Classification: Uncertain significance for Hereditary breast ovarian cancer syndrome. Last evaluated: 2021-11-01. Review status: criteria provided, single submitter. Criteria: ACMG Guidelines, 2015. Collection method: research. Allele origin: germline. Affected: yes.

St. Jude Molecular Pathology, St. Jude Children's Research Hospital
Classification: Uncertain significance for Hereditary breast ovarian cancer syndrome. Last evaluated: 2021-04-29. Review status: criteria provided, single submitter. Criteria: St. Jude Assertion Criteria 2020. Collection method: clinical testing. Allele origin: germline.
Comment: The BRCA2 c.8668C>A (p.Leu2890Ile) missense change has a maximum frequency of 0.0080% in gnomAD v2.1.1. In silico tools are not in agreement about the effect of this variant on protein function, and to our knowledge functional assays have not been performed. This variant is absent in the FLOSSIES database which contains genetic variants from women older than 70 years of age who have never had cancer. This variant was reported in an individual with prostate cancer who was either diagnosed <65 years of age or diagnosed >65 years of age with a family history of prostate cancer (PMID: 21952622). In summary, this variant meets criteria to be classified as of uncertain significance based on the ACMG/AMP criteria: no applicable criteria.

Mendelics
Classification: Uncertain significance for Breast-ovarian cancer, familial, susceptibility to, 2. Last evaluated: 2019-05-28. Review status: criteria provided, single submitter. Criteria: Mendelics Assertion Criteria 2017. Collection method: clinical testing. Allele origin: unknown.

Clinical Genetics DNA and cytogenetics Diagnostics Lab, Erasmus MC, Erasmus Medical Center
Classification: Likely benign for Breast-ovarian cancer, familial, susceptibility to, 2. Last evaluated: 2015-09-21. Review status: criteria provided, single submitter. Criteria: ACGS Guidelines, 2013. Collection method: clinical testing. Allele origin: germline. Affected: yes. Study: VKGL Data-share Consensus.

Eurofins Ntd Llc (ga)
Classification: Uncertain significance. Last evaluated: 2014-11-21. Review status: criteria provided, single submitter. Criteria: EGL Classification Definitions 2015. Collection method: clinical testing. Allele origin: germline. Observed: 1 variant allele, 1 heterozygote.

Counsyl
Classification: Uncertain significance for Breast-ovarian cancer, familial, susceptibility to, 2. Last evaluated: 2016-08-29. Review status: no assertion criteria provided. Collection method: clinical testing. Allele origin: unknown. Not counted in ClinVar's aggregate classification.

Sharing Clinical Reports Project (SCRP)
Classification: Likely benign for Breast-ovarian cancer, familial 2. Last evaluated: 2012-05-07. Review status: no assertion criteria provided. Collection method: clinical testing. Allele origin: germline. Not counted in ClinVar's aggregate classification.

Breast Cancer Information Core (BIC) (BRCA2)
Classification: Uncertain significance for Breast-ovarian cancer, familial 2. Last evaluated: 2002-05-29. Review status: no assertion criteria provided. Collection method: clinical testing. Allele origin: germline. Affected: yes. Observed: 2 variant alleles. Not counted in ClinVar's aggregate classification.

Clinical Genetics Laboratory, Department of Pathology, Netherlands Cancer Institute
Classification: Likely benign. Review status: no assertion criteria provided. Collection method: clinical testing. Allele origin: germline. Affected: yes. Study: VKGL Data-share Consensus. Not counted in ClinVar's aggregate classification.

Literature cited by the submitters: PubMed 28726806 (cited by Ambry Genetics and Quest Diagnostics Nichols Institute San Juan Capistrano); PubMed 36329109 (cited by 6 submitters); PubMed 19043619 (cited by 4 submitters); PubMed 21952622 (cited by 6 submitters); PubMed 24817641 (cited by 3 submitters); PubMed 28591715 (cited by 4 submitters); PubMed 31853058 (cited by All of Us Research Program, National Institutes of Health and Color Diagnostics, LLC DBA Color Health); PubMed 33471991 (cited by 4 submitters); PubMed 37922907 (cited by All of Us Research Program, National Institutes of Health and Color Diagnostics, LLC DBA Color Health).